The following is an entry in ClinVar:

ClinVar aggregate classification (germline): Pathogenic. Review status: reviewed by expert panel (3 of 4 stars). 5 submissions from 5 submitters: Pathogenic (1). 4 of the submissions do not count toward it. Last evaluated 2017-03-17.

Conditions:
CFTR-related disorder (CFTR-RD). Also called: CFTR-related condition; CFTR-related disorders. Identifiers: MedGen C5924204, MONDO:7770004.
Cystic fibrosis (CF). Also called: MUCOVISCIDOSIS. Identifiers: Orphanet 586, MedGen C0010674, MONDO:0009061, OMIM 219700. Disease mechanism: loss of function.

Submissions (5):

CFTR2
Classification: Pathogenic for Cystic fibrosis. Last evaluated: 2017-03-17. Review status: reviewed by expert panel. Criteria: Sosnay PR et al. (Nat Genet 2013). Collection method: research. Allele origin: germline. Affected: yes. Study: CFTR2.

Institute of Human Genetics, University of Leipzig Medical Center
Classification: Pathogenic for Cystic fibrosis. Last evaluated: 2022-09-05. Review status: criteria provided, single submitter. Criteria: ACMG Guidelines, 2015. Collection method: curation. Allele origin: unknown. Affected: yes. Observed: 1 variant allele. Not counted in ClinVar's aggregate classification.
Comment: The variant was classified in the context of a project re-classifying variants in the German Cystic Fibrosis Registry (Muko.e.V.). Criteria applied: PVS1, PM2_SUP, PM3_STR, PP4

CFTR-France
Classification: Pathogenic for cystic fibrosis. Last evaluated: 2018-01-29. Review status: criteria provided, single submitter. Criteria: Claustres M et al. (Hum Mutat 2017). Collection method: curation. Allele origin: germline. Affected: yes. Not counted in ClinVar's aggregate classification.

Natera, Inc.
Classification: Pathogenic for CFTR-related disorders. Last evaluated: 2017-03-17. Review status: no assertion criteria provided. Collection method: clinical testing. Allele origin: germline. Not counted in ClinVar's aggregate classification.

ClinVar Staff, National Center for Biotechnology Information (NCBI)
No classification provided. Condition: CFTR-related disorders. Review status: no classification provided. Collection method: literature only. Allele origin: germline. Affected: yes. Not counted in ClinVar's aggregate classification.

Literature cited by the submitters: PubMed 20059485 (cited by ClinVar Staff, National Center for Biotechnology Information (NCBI)).

NM_000492.4(CFTR):c.3891dup (p.Gly1298fs)

Gene: CFTR (CF transmembrane conductance regulator; plus strand). Cytogenetic location: 7q31.2.
Variant type: Duplication.
Coding change: c.3891dup on transcript NM_000492.4 (MANE Select); coding-DNA position 3891, one base duplicated (T; older notation c.3891dupT).
Protein change: p.Gly1298fs; shifts the reading frame from glycine 1298.
Molecular consequence: frameshift variant.
Genome position (GRCh38, 1-based): chr7:117,652,859, T duplicated. VCF-style (leftmost placement, unchanged base first): chr7-117652858-C-CT. GRCh37 (hg19) VCF-style: chr7-117292912-C-CT.
Other names: 4022insT; c.3890_3891insT (NM_000492.3); short protein forms G1298fs.
Identifiers: ClinVar variation 53843 (VCV000053843.4), dbSNP rs397508633, ClinGen allele CA327331.
Genomic context (GRCh38, chr7:117,652,858, plus strand): 5'-TTTAAGTTATTCATACTTTCTTCTTCTTTTCTTTTTTGCTATAGAAAGTATTTATTTTTT[C>CT]TGGAACATTTAGAAAAAACTTGGATCCCTATGAACAGTGGAGTGATCAAGAAATATGGAA-3'